The following is an entry in ClinVar:

NM_033380.3(COL4A5):c.1033-10G>A

Gene: COL4A5 (collagen type IV alpha 5 chain; plus strand). Cytogenetic location: Xq22.3.
Variant type: single nucleotide variant.
Coding change: c.1033-10G>A on transcript NM_033380.3 (MANE Select); 10 bases into the intron before coding-DNA position 1033, G replaced by A.
Molecular consequence: intron variant.
Genome position (GRCh38, 1-based): chrX:108,586,605, G>A. VCF-style: chrX-108586605-G-A. GRCh37 (hg19) VCF-style: chrX-107829835-G-A.
Other names: c.1033-10G>A (NM_000495.5).
Identifiers: ClinVar variation 3066242 (VCV003066242.1), dbSNP rs1311482428, ClinGen allele CA2740097815.

ClinVar aggregate classification (germline): Likely pathogenic (1 of 4 stars; one submission).

Conditions:
X-linked Alport syndrome (ATS1). Also called: COL4A5-Related Nephropathy; NEPHROPATHY AND DEAFNESS, X-LINKED. Identifiers: Orphanet 63, Orphanet 88917, MedGen C4746986, MONDO:0010520, OMIM 301050.

Submission:

MVZ Medizinische Genetik Mainz
Classification: Likely pathogenic for X-linked Alport syndrome. Last evaluated: 2024-02-09. Review status: criteria provided, single submitter. Criteria: UK Practice Guidelines For Variant Classification V4 01 2020. Collection method: clinical testing. Allele origin: germline. Inheritance: X-linked dominant inheritance. Affected: yes. Observed: 1 variant allele.
Comment: ACMG Criteria: PS3,PS4_SUP,PM2_SUP,PP3,PP4